The following is an entry in ClinVar:

ClinVar aggregate classification (germline): Likely benign. Review status: criteria provided, single submitter (1 of 4 stars). 2 submissions from 2 submitters: Likely benign (1). 1 of the submissions does not count toward it. Last evaluated 2024-06-06.

Conditions:
DLC1-related disorder. Also called: DLC1-related condition.

Allele frequency attached by ClinVar (database versions not stated): TOPMed below 0.00001; ExAC 0.00001; gnomAD 0.00001; gnomAD exomes 0.00001.

Submissions (2):

Labcorp Genetics (formerly Invitae), Labcorp
Classification: Likely benign. Last evaluated: 2024-06-06. Review status: criteria provided, single submitter. Criteria: Invitae Variant Classification Sherloc (09022015). Collection method: clinical testing. Allele origin: germline.

PreventionGenetics, part of Exact Sciences
Classification: Likely benign for DLC1-related condition. Last evaluated: 2021-02-02. Review status: no assertion criteria provided. Collection method: clinical testing. Allele origin: germline. Not counted in ClinVar's aggregate classification.
Comment: This variant is classified as likely benign based on ACMG/AMP sequence variant interpretation guidelines (Richards et al. 2015 PMID: 25741868, with internal and published modifications).

NM_182643.3(DLC1):c.2277T>G (p.Val759=)

Gene: DLC1 (DLC1 Rho GTPase activating protein; minus strand). Cytogenetic location: 8p22.
Variant type: single nucleotide variant.
Coding change: c.2277T>G on transcript NM_182643.3 (MANE Select); coding-DNA position 2277, T replaced by G.
Protein change: p.Val759=; no amino-acid change (valine 759 retained).
Molecular consequence: synonymous variant.
Genome position (GRCh38, 1-based): chr8:13,100,060, A>C on the plus strand (T>G on the coding strand, the complement: DLC1 is on the minus strand). VCF-style: chr8-13100060-A-C. GRCh37 (hg19) VCF-style: chr8-12957569-A-C.
Other names: c.744T>G, p.Val248= (NM_001164271.2, NM_001348082.2, NM_001348083.1 and 6 more transcripts); c.1068T>G, p.Val356= (NM_001316668.2, NM_001413129.1); c.2277T>G, p.Val759= (NM_001348081.2, NM_001413124.1); c.1059T>G, p.Val353= (NM_001413130.1); c.717T>G, p.Val239= (NM_001413131.1, NM_001413137.1); c.1203T>G, p.Val401= (NM_001413132.1); c.966T>G, p.Val322= (NM_001413135.1, NM_001413136.1, NM_001413139.1 and 1 more transcripts); c.1101T>G, p.Val367= (NM_001413140.1).
Identifiers: ClinVar variation 3030571 (VCV003030571.4), dbSNP rs748854119, ClinGen allele CA4638660.